The following is an entry in ClinVar:

ClinVar aggregate classification (germline): Uncertain significance. Review status: criteria provided, multiple submitters, no conflicts (2 of 4 stars). 2 submissions from 2 submitters: Uncertain significance (2). Last evaluated 2025-03-10.

Conditions:
Familial focal epilepsy with variable foci (FPEVF). Identifiers: Orphanet 98820, MedGen C1858477, MONDO:0020310.

Submissions (2):

Labcorp Genetics (formerly Invitae), Labcorp
Classification: Uncertain significance for Familial focal epilepsy with variable foci. Last evaluated: 2025-03-10. Review status: criteria provided, single submitter. Criteria: Invitae Variant Classification Sherloc (09022015). Collection method: clinical testing. Allele origin: germline.
Comment: This variant, c.425_427dup, results in the insertion of 1 amino acid(s) of the DEPDC5 protein (p.Gly142dup), but otherwise preserves the integrity of the reading frame. This variant is present in population databases (rs761114750, gnomAD 0.006%). This variant has not been reported in the literature in individuals affected with DEPDC5-related conditions. ClinVar contains an entry for this variant (Variation ID: 1015069). Experimental studies and prediction algorithms are not available or were not evaluated, and the functional significance of this variant is currently unknown. In summary, the available evidence is currently insufficient to determine the role of this variant in disease. Therefore, it has been classified as a Variant of Uncertain Significance.

GeneDx
Classification: Uncertain significance. Last evaluated: 2022-10-03. Review status: criteria provided, single submitter. Criteria: GeneDx Variant Classification Process June 2021. Collection method: clinical testing. Allele origin: germline. Affected: yes.
Comment: Has not been previously published as pathogenic or benign to our knowledge; In-frame insertion of 1 amino acids in a non-repeat region

NM_001242896.3(DEPDC5):c.425_427dup (p.Gly142dup)

Gene: DEPDC5 (DEP domain containing 5, GATOR1 subcomplex subunit; plus strand). Cytogenetic location: 22q12.2.
Variant type: Duplication.
Coding change: c.425_427dup on transcript NM_001242896.3 (MANE Select); coding-DNA positions 425 to 427, 3 bases duplicated (GTG; older notation c.425_427dupGTG).
Protein change: p.Gly142dup; duplicates glycine 142.
Molecular consequence: inframe insertion. On other transcripts: non-coding transcript variant (5).
Genome position (GRCh38, 1-based): chr22:31,778,110-31,778,112, GTG duplicated; duplicating any 3 consecutive bases within chr22:31,778,108-31,778,112 gives the same sequence; the c. name uses the placement nearest the transcript's 3' end. VCF-style (leftmost placement, unchanged base first): chr22-31778107-C-CTGG. GRCh37 (hg19) VCF-style: chr22-32174093-C-CTGG.
Other names: c.425_427dup, p.Gly142dup (NM_001007188.4, NM_001136029.4, NM_001242897.2 and 7 more transcripts); c.341_343dup, p.Gly114dup (NM_001369901.1, NM_001369902.1).
Identifiers: ClinVar variation 1015069 (VCV001015069.8), dbSNP rs761114750, ClinGen allele CA10195974.
Genomic context (GRCh38, chr22:31,778,107, plus strand): 5'-ATGTATTGGTTTCATGTAAGACTTGTAATAACTTGTGTGTGTATTCTTTCAGAGCACAGG[C>CTGG]TGGTGAACTGTGGGTTAAGAATGAGAAGGTCATGTGTGGCTACATCAGTGAAGATACCAG-3'